The following is an entry in ClinVar:

NM_000350.3(ABCA4):c.6670_6671del (p.Ser2224fs)

Gene: ABCA4 (ATP binding cassette subfamily A member 4; minus strand). Cytogenetic location: 1p22.1.
Variant type: Microsatellite.
Coding change: c.6670_6671del on transcript NM_000350.3 (MANE Select); coding-DNA positions 6670 to 6671, 2 bases deleted (TC; older notation c.6670_6671delTC).
Protein change: p.Ser2224fs; shifts the reading frame from serine 2224.
Molecular consequence: frameshift variant.
Genome position (GRCh38, 1-based): chr1:93,997,919-93,997,920, GA deleted on the plus strand (TC on the coding strand, the reverse complement: ABCA4 is on the minus strand); deleting any 2 consecutive bases within chr1:93,997,919-93,997,923 gives the same sequence; the c. name uses the placement nearest the transcript's 3' end. VCF-style (leftmost placement, unchanged base first): chr1-93997918-GGA-G. GRCh37 (hg19) VCF-style: chr1-94463474-GGA-G.
Other names: c.6445_6446CT[1], p.Ser2150Profs (NM_001425324.1); short protein forms S2224fs.
Identifiers: ClinVar variation 817857 (VCV000817857.1), dbSNP rs1571239957, ClinGen allele CA915941320.
Genomic context (GRCh38, chr1:93,997,918, plus strand): 5'-TGCCTGGTCCAGTGTGGTCTGTGTGACTGAGTACTCCTCGATGAGCAGGCTGTCCTTGTG[GGA>G]GAGGAGGAGCTGGAAGATCCTCGCCAGGGAGGAGGAGGAGACCTGGAACTGGAGCATGTT-3'

ClinVar aggregate classification (germline): Pathogenic (1 of 4 stars; one submission).

Submission:

GeneDx
Classification: Pathogenic. Last evaluated: 2018-10-09. Review status: criteria provided, single submitter. Criteria: GeneDx Variant Classification (06012015). Collection method: clinical testing. Allele origin: germline. Affected: yes.
Comment: The c.6670_6671delTC variant in the ABCA4 gene has not been reported previously as a pathogenic variant nor as a benign variant, to our knowledge. The c.6670_6671delTC variant causes a frameshift starting with codon Serine 2224, changes this amino acid to a Proline residue, and creates a premature Stop codon at position 26 of the new reading frame, denoted p.Ser2224ProfsX26. This variant is predicted to cause loss of normal protein function either through protein truncation or nonsense-mediated mRNA decay. The c.6670_6671delTC variant is not observed in large population cohorts (Lek et al., 2016). We interpret c.6670_6671delTC as a pathogenic variant.